The following is an entry in ClinVar:

ClinVar aggregate classification (germline): Uncertain significance (1 of 4 stars; one submission).

gnomAD v4.1: 1 of 1,581,374 alleles (0.000063%); no homozygotes.

Submission:

Labcorp Genetics (formerly Invitae), Labcorp
Classification: Uncertain significance. Last evaluated: 2024-08-08. Review status: criteria provided, single submitter. Criteria: Invitae Variant Classification Sherloc (09022015). Collection method: clinical testing. Allele origin: germline.
Comment: This sequence change falls in intron 6 of the MSH3 gene. It does not directly change the encoded amino acid sequence of the MSH3 protein. This variant is not present in population databases (gnomAD no frequency). This variant has not been reported in the literature in individuals affected with MSH3-related conditions. Algorithms developed to predict the effect of sequence changes on RNA splicing suggest that this variant may disrupt the consensus splice site. In summary, the available evidence is currently insufficient to determine the role of this variant in disease. Therefore, it has been classified as a Variant of Uncertain Significance.

NM_002439.5(MSH3):c.1027+8T>G

Genes: MSH3 (mutS homolog 3; plus strand), LOC126807437 (MED14-independent group 3 enhancer GRCh37_chr5:79968379-79969578; plus strand). Cytogenetic location: 5q14.1.
Variant type: single nucleotide variant.
Coding change: c.1027+8T>G on transcript NM_002439.5 (MANE Select); 8 bases into the intron after coding-DNA position 1027, T replaced by G.
Molecular consequence: intron variant.
Genome position (GRCh38, 1-based): chr5:80,672,866, T>G. VCF-style: chr5-80672866-T-G. GRCh37 (hg19) VCF-style: chr5-79968685-T-G.
Identifiers: ClinVar variation 3624440 (VCV003624440.2).